The following is an entry in ClinVar:

ClinVar aggregate classification (germline): Pathogenic. Review status: criteria provided, multiple submitters, no conflicts (2 of 4 stars). 2 submissions from 2 submitters: Pathogenic (2). Last evaluated 2025-07-16.

Conditions:
Osteogenesis imperfecta with normal sclerae, dominant form (OI4). Also called: Common Variable Osteogenesis Imperfecta with Normal Sclerae; OSTEOGENESIS IMPERFECTA, TYPE IV, WITH DENTINOGENESIS IMPERFECTA; Osteogenesis Imperfecta Type IV; OSTEOGENESIS IMPERFECTA WITH NORMAL SCLERAE; Osteogenesis imperfecta type 4. Identifiers: Orphanet 216820, Orphanet 666, MedGen C0268363, MONDO:0008148, OMIM 166220.

Submissions (2):

Clinical Biomedical Laboratory, Shriners Hospital For Children - Canada
Classification: Pathogenic for Osteogenesis imperfecta with normal sclerae, dominant form. Last evaluated: 2025-07-16. Review status: criteria provided, single submitter. Criteria: ACMG Guidelines, 2015. Collection method: clinical testing. Allele origin: germline. Affected: yes.
Comment: This variant is predicted to change a glycine residue to an aspartate residue. Glycine substitutions in the triple helical domain of the alpha 2 chain of collagen type I are a typical cause of osteogenesis imperfecta. The variant is not present in the gnomAD database (v. 2.1.1). Prediction tools (REVEL: 0.98) suggest that the change is damaging to protein function.

GeneDx
Classification: Pathogenic. Last evaluated: 2025-03-07. Review status: criteria provided, single submitter. Criteria: GeneDx Variant Classification Process June 2021. Collection method: clinical testing. Allele origin: germline. Affected: yes.
Comment: Identified in a patient with OI who also had a variant in the COL1A1 gene (PMID: 16786509); Not observed at significant frequency in large population cohorts (gnomAD); In silico analysis supports that this missense variant has a deleterious effect on protein structure/function; Occurs in the triple helical domain and replaces a glycine in a canonical Gly-X-Y repeat; missense substitution of a canonical glycine residue is expected to disrupt normal protein folding and function, and this is an established mechanism of disease (PMID: 34007986); This variant is associated with the following publications: (PMID: 25525159, 16786509, 34007986, 30715774)

Literature cited by the submitters: PubMed 16786509 (cited by Clinical Biomedical Laboratory, Shriners Hospital For Children - Canada).

NM_000089.4(COL1A2):c.758G>A (p.Gly253Asp)

Gene: COL1A2 (collagen type I alpha 2 chain; plus strand). Cytogenetic location: 7q21.3.
Variant type: single nucleotide variant.
Coding change: c.758G>A on transcript NM_000089.4 (MANE Select); coding-DNA position 758, G replaced by A.
Protein change: p.Gly253Asp; replaces glycine 253 with aspartic acid.
Molecular consequence: missense variant.
Genome position (GRCh38, 1-based): chr7:94,408,789, G>A. VCF-style: chr7-94408789-G-A. GRCh37 (hg19) VCF-style: chr7-94038101-G-A.
Other names: short protein forms G253D.
Identifiers: ClinVar variation 4075362 (VCV004075362.2).